The following is an entry in ClinVar:

NM_006922.4(SCN3A):c.4535C>A (p.Ala1512Glu)

Gene: SCN3A (sodium voltage-gated channel alpha subunit 3; minus strand). Cytogenetic location: 2q24.3.
Variant type: single nucleotide variant.
Coding change: c.4535C>A on transcript NM_006922.4 (MANE Select); coding-DNA position 4535, C replaced by A.
Protein change: p.Ala1512Glu; replaces alanine 1512 with glutamic acid.
Molecular consequence: missense variant.
Genome position (GRCh38, 1-based): chr2:165,094,375, G>T on the plus strand (C>A on the coding strand, the complement: SCN3A is on the minus strand). VCF-style: chr2-165094375-G-T. GRCh37 (hg19) VCF-style: chr2-165950885-G-T.
Other names: c.4388C>A, p.Ala1463Glu (NM_001081676.2, NM_001081677.2); short protein forms A1463E, A1512E.
Identifiers: ClinVar variation 986220 (VCV000986220.10), dbSNP rs1279700412, ClinGen allele CA349019932.

ClinVar aggregate classification (germline): Uncertain significance. Review status: criteria provided, multiple submitters, no conflicts (2 of 4 stars). 3 submissions from 3 submitters: Uncertain significance (3). Last evaluated 2022-10-12.

Conditions:
Inborn genetic diseases. Identifiers: MedGen C0950123, MeSH D030342.

Allele frequency attached by ClinVar (database versions not stated): gnomAD 0.00001; TOPMed 0.00001.

Submissions (3):

Labcorp Genetics (formerly Invitae), Labcorp
Classification: Uncertain significance. Last evaluated: 2022-10-12. Review status: criteria provided, single submitter. Criteria: Invitae Variant Classification Sherloc (09022015). Collection method: clinical testing. Allele origin: germline.
Comment: In summary, the available evidence is currently insufficient to determine the role of this variant in disease. Therefore, it has been classified as a Variant of Uncertain Significance. This sequence change replaces alanine, which is neutral and non-polar, with glutamic acid, which is acidic and polar, at codon 1512 of the SCN3A protein (p.Ala1512Glu). This variant is present in population databases (no rsID available, gnomAD 0.01%). This variant has not been reported in the literature in individuals affected with SCN3A-related conditions. ClinVar contains an entry for this variant (Variation ID: 986220). Algorithms developed to predict the effect of missense changes on protein structure and function (SIFT, PolyPhen-2, Align-GVGD) all suggest that this variant is likely to be tolerated.

Ambry Genetics
Classification: Uncertain significance for Inborn genetic diseases. Last evaluated: 2019-07-23. Review status: criteria provided, single submitter. Criteria: Ambry exome assertion method (8-5-2015). Collection method: clinical testing. Allele origin: germline. Affected: yes. Observed: 1 variant allele.

GeneDx
Classification: Uncertain significance. Last evaluated: 2019-07-05. Review status: criteria provided, single submitter. Criteria: GeneDx Variant Classification Process June 2021. Collection method: clinical testing. Allele origin: germline. Affected: yes.
Comment: In silico analysis, which includes protein predictors and evolutionary conservation, supports that this variant does not alter protein structure/function; Has not been previously published as pathogenic or benign to our knowledge